The following is an entry in ClinVar:

ClinVar aggregate classification (germline): Uncertain significance. Review status: criteria provided, multiple submitters, no conflicts (2 of 4 stars). 2 submissions from 2 submitters: Uncertain significance (2). Last evaluated 2026-03-24.

Conditions:
Inborn genetic diseases. Identifiers: MedGen C0950123, MeSH D030342.
Baller-Gerold syndrome (BGS). Also called: CRANIOSYNOSTOSIS WITH RADIAL DEFECTS. Identifiers: Orphanet 1225, MedGen C0265308, MONDO:0009039, OMIM 218600.

Submissions (2):

Ambry Genetics
Classification: Uncertain significance for Inborn genetic diseases. Last evaluated: 2026-03-24. Review status: criteria provided, single submitter. Criteria: Ambry Variant Classification Scheme 2023. Collection method: clinical testing. Allele origin: germline.
Comment: The p.T645I variant (also known as c.1934C>T), located in coding exon 12 of the RECQL4 gene, results from a C to T substitution at nucleotide position 1934. The threonine at codon 645 is replaced by isoleucine, an amino acid with similar properties. This amino acid position is conserved. In addition, the in silico prediction for this alteration is inconclusive. Based on the available evidence, the clinical significance of this variant remains unclear.

Labcorp Genetics (formerly Invitae), Labcorp
Classification: Uncertain significance for Baller-Gerold syndrome. Last evaluated: 2022-02-23. Review status: criteria provided, single submitter. Criteria: Invitae Variant Classification Sherloc (09022015). Collection method: clinical testing. Allele origin: germline.
Comment: This sequence change replaces threonine, which is neutral and polar, with isoleucine, which is neutral and non-polar, at codon 645 of the RECQL4 protein (p.Thr645Ile). This variant is not present in population databases (gnomAD no frequency). This variant has not been reported in the literature in individuals affected with RECQL4-related conditions. Experimental studies and prediction algorithms are not available or were not evaluated, and the functional significance of this variant is currently unknown. In summary, the available evidence is currently insufficient to determine the role of this variant in disease. Therefore, it has been classified as a Variant of Uncertain Significance.

NM_004260.4(RECQL4):c.1934C>T (p.Thr645Ile)

Gene: RECQL4 (RecQ like helicase 4; minus strand). Cytogenetic location: 8q24.3.
Variant type: single nucleotide variant.
Coding change: c.1934C>T on transcript NM_004260.4 (MANE Select); coding-DNA position 1934, C replaced by T.
Protein change: p.Thr645Ile; replaces threonine 645 with isoleucine.
Molecular consequence: missense variant.
Genome position (GRCh38, 1-based): chr8:144,514,052, G>A on the plus strand (C>T on the coding strand, the complement: RECQL4 is on the minus strand). VCF-style: chr8-144514052-G-A. GRCh37 (hg19) VCF-style: chr8-145739436-G-A.
Other names: c.797C>T, p.Thr266Ile (NM_001413032.1, NM_001413041.1, NM_001413027.1 and 1 more transcripts); c.1802C>T, p.Thr601Ile (NM_001413033.1); c.863C>T, p.Thr288Ile (NM_001413034.1, NM_001413035.1, NM_001413038.1 and 6 more transcripts); c.1934C>T, p.Thr645Ile (NM_001413036.1, NM_001413018.1, NM_001413019.1); c.731C>T, p.Thr244Ile (NM_001413037.1); c.1904C>T, p.Thr635Ile (NM_001413039.1); c.1934C>T (NM_004260.3); c.1838C>T, p.Thr613Ile (NM_001413017.1, NM_001413020.1); and 5 more; short protein forms T266I, T278I, T635I, T156I, T601I, T602I, T613I, T222I.
Identifiers: ClinVar variation 2177867 (VCV002177867.5), dbSNP rs1827786205, ClinGen allele CA372680456.
Genomic context (GRCh38, chr8:144,514,052, plus strand): 5'-TGGAGGTCAGGCTCTTCAGCCACAGCCAGGTGCTGTGCCACGTCACTGGCAGTGCGGCGT[G>A]TGGCTGTGGCTGTGAGGCCCAGGAAGCAGTGCACGCCCATGCGCTCCCGAAGCACCTGCA-3'
Protein context (NP_004251.4, residues 635-655): HCFLGLTATA[Thr645Ile]RRTASDVAQH